The following is an entry in ClinVar:

NM_020699.4(GATAD2B):c.1475C>T (p.Ala492Val)

Gene: GATAD2B (GATA zinc finger domain containing 2B; minus strand). Cytogenetic location: 1q21.3.
Variant type: single nucleotide variant.
Coding change: c.1475C>T on transcript NM_020699.4 (MANE Select); coding-DNA position 1475, C replaced by T.
Protein change: p.Ala492Val; replaces alanine 492 with valine.
Molecular consequence: missense variant.
Genome position (GRCh38, 1-based): chr1:153,812,077, G>A on the plus strand (C>T on the coding strand, the complement: GATAD2B is on the minus strand). VCF-style: chr1-153812077-G-A. GRCh37 (hg19) VCF-style: chr1-153784553-G-A.
Other names: short protein forms A492V.
Identifiers: ClinVar variation 1463942 (VCV001463942.6), dbSNP rs1674310975, ClinGen allele CA342581244.

ClinVar aggregate classification (germline): Uncertain significance (1 of 4 stars; one submission).

Allele frequency attached by ClinVar (database versions not stated): gnomAD exomes below 0.00001; TOPMed below 0.00001.
gnomAD v4.1: 1 of 1,613,372 alleles (0.000062%); highest among the groups gnomAD compares: South Asian, 0.0011%; no homozygotes.

Submission:

Labcorp Genetics (formerly Invitae), Labcorp
Classification: Uncertain significance. Last evaluated: 2022-06-13. Review status: criteria provided, single submitter. Criteria: Invitae Variant Classification Sherloc (09022015). Collection method: clinical testing. Allele origin: germline.
Comment: This sequence change replaces alanine with valine at codon 492 of the GATAD2B protein (p.Ala492Val). The alanine residue is moderately conserved and there is a small physicochemical difference between alanine and valine. In summary, the available evidence is currently insufficient to determine the role of this variant in disease. Therefore, it has been classified as a Variant of Uncertain Significance. Algorithms developed to predict the effect of missense changes on protein structure and function are either unavailable or do not agree on the potential impact of this missense change (SIFT: "Not Available"; PolyPhen-2: "Benign"; Align-GVGD: "Not Available"). This variant has not been reported in the literature in individuals affected with GATAD2B-related conditions. This variant is not present in population databases (gnomAD no frequency).